The following is an entry in ClinVar:

ClinVar aggregate classification (germline): Uncertain significance (1 of 4 stars; one submission).

Conditions:
Cardiovascular phenotype. Identifiers: MedGen CN230736.

Submission:

Ambry Genetics
Classification: Uncertain significance for Cardiovascular phenotype. Last evaluated: 2025-07-12. Review status: criteria provided, single submitter. Criteria: Ambry Variant Classification Scheme 2023. Collection method: clinical testing. Allele origin: germline.
Comment: The p.Q2565H variant (also known as c.7695G>C), located in coding exon 31 of the AKAP9 gene, results from a G to C substitution at nucleotide position 7695. The glutamine at codon 2565 is replaced by histidine, an amino acid with highly similar properties. This amino acid position is conserved. In addition, this alteration is predicted to be tolerated by in silico analysis. Based on the available evidence, the clinical significance of this variant remains unclear.

NM_005751.5(AKAP9):c.7695G>C (p.Gln2565His)

Gene: AKAP9 (A-kinase anchoring protein 9; plus strand). Cytogenetic location: 7q21.2.
Variant type: single nucleotide variant.
Coding change: c.7695G>C on transcript NM_005751.5 (MANE Select); coding-DNA position 7695, G replaced by C.
Protein change: p.Gln2565His; replaces glutamine 2565 with histidine.
Molecular consequence: missense variant.
Genome position (GRCh38, 1-based): chr7:92,079,828, G>C. VCF-style: chr7-92079828-G-C. GRCh37 (hg19) VCF-style: chr7-91709142-G-C.
Other names: c.7671G>C, p.Gln2557His (NM_147185.3); c.2340G>C, p.Gln780His (NM_001379277.1); short protein forms Q2557H, Q2565H, Q780H.
Identifiers: ClinVar variation 4265096 (VCV004265096.1).
Genomic context (GRCh38, chr7:92,079,828, plus strand): 5'-AATAGTTGAAGAAAAAGTGGCTGCTGCTCTTGTCAGTCAAATCCAACTTGAGGCAGTTCA[G>C]GAATATGCAAAATTCTGTCAAGATAATCAAACAATTTCATCAGAACCTGAAAGAACAAAT-3'
Protein context (NP_005742.4, residues 2555-2575): LVSQIQLEAV[Gln2565His]EYAKFCQDNQ